The following is an entry in ClinVar:

NM_000038.6(APC):c.7108G>A (p.Gly2370Ser)

Gene: APC (APC regulator of Wnt signaling pathway; plus strand). Cytogenetic location: 5q22.2.
Variant type: single nucleotide variant.
Coding change: c.7108G>A on transcript NM_000038.6 (MANE Select); coding-DNA position 7108, G replaced by A.
Protein change: p.Gly2370Ser; replaces glycine 2370 with serine.
Molecular consequence: missense variant. On other transcripts: non-coding transcript variant (2).
Genome position (GRCh38, 1-based): chr5:112,842,702, G>A. VCF-style: chr5-112842702-G-A. GRCh37 (hg19) VCF-style: chr5-112178399-G-A.
Other names: c.7108G>A, p.Gly2370Ser (NM_001127510.3, NM_001354895.2, NM_001407450.1); c.7054G>A, p.Gly2352Ser (NM_001127511.3); c.7162G>A, p.Gly2388Ser (NM_001354896.2, NM_001407447.1, NM_001407448.1 and 1 more transcripts); c.7138G>A, p.Gly2380Ser (NM_001354897.2); c.7033G>A, p.Gly2345Ser (NM_001354898.2); c.7024G>A, p.Gly2342Ser (NM_001354899.2); c.6985G>A, p.Gly2329Ser (NM_001354900.2); c.6931G>A, p.Gly2311Ser (NM_001354901.2, NM_001407453.1); and 11 more; short protein forms G2087S, G2241S, G2360S, G2380S, G1986S, G2269S, G2287S, G2342S.
Identifiers: ClinVar variation 4120881 (VCV004120881.1).

ClinVar aggregate classification (germline): Uncertain significance (1 of 4 stars; one submission).

Conditions:
Hereditary cancer-predisposing syndrome. Also called: Hereditary neoplastic syndrome; Neoplastic Syndromes, Hereditary; Tumor predisposition; Hereditary Cancer Syndrome. Identifiers: Orphanet 140162, MedGen C0027672, MeSH D009386, MONDO:0015356.

Submission:

Ambry Genetics
Classification: Uncertain significance for Hereditary cancer-predisposing syndrome. Last evaluated: 2025-07-12. Review status: criteria provided, single submitter. Criteria: Ambry Variant Classification Scheme 2023. Collection method: clinical testing. Allele origin: germline.
Comment: The p.G2370S variant (also known as c.7108G>A), located in coding exon 15 of the APC gene, results from a G to A substitution at nucleotide position 7108. The glycine at codon 2370 is replaced by serine, an amino acid with similar properties. This amino acid position is conserved. In addition, in silico predictors for this gene do not accurately predict pathogenicity. Based on the available evidence, the clinical significance of this variant remains unclear.